The following is an entry in ClinVar:

NM_000169.3(GLA):c.618_621del (p.Tyr207fs)

Genes: GLA (galactosidase alpha; minus strand), RPL36A-HNRNPH2 (RPL36A-HNRNPH2 readthrough; plus strand). Cytogenetic location: Xq22.1.
Variant type: Deletion.
Coding change: c.618_621del on transcript NM_000169.3 (MANE Select); coding-DNA positions 618 to 621, 4 bases deleted (TTAT; older notation c.618_621delTTAT).
Protein change: p.Tyr207fs; shifts the reading frame from tyrosine 207.
Molecular consequence: frameshift variant. On other transcripts: non-coding transcript variant (2), intron variant (2).
Genome position (GRCh38, 1-based): chrX:101,400,684-101,400,687, ATAA deleted on the plus strand (TTAT on the coding strand, the reverse complement: GLA is on the minus strand); deleting any 4 consecutive bases within chrX:101,400,684-101,400,688 gives the same sequence; the c. name uses the placement nearest the transcript's 3' end. VCF-style (leftmost placement, unchanged base first): chrX-101400683-TATAA-T. GRCh37 (hg19) VCF-style: chrX-100655671-TATAA-T.
Other names: c.741_744del, p.Tyr248fs (NM_001406747.1); c.618_621del, p.Tyr207fs (NM_001406748.1); c.300+5228_300+5231del (NM_001199973.2); c.177+8863_177+8866del (NM_001199974.2); short protein forms Y207fs, Y248fs.
Identifiers: ClinVar variation 4974900 (VCV004974900.1).
Genomic context (GRCh38, chrX:101,400,683, plus strand): 5'-TCTATCAGTACAGTTCTATTGGATTCTGGGCTCACTATCTCACCTTTTGAAAGGGCCACA[TATAA>T]AGAGGCCACTCACAGGAGTACACAATGCTTCTGCCAGTCCTATTCAGGGCCAAGGACATG-3'

ClinVar aggregate classification (germline): Pathogenic (1 of 4 stars; one submission).

Conditions:
Fabry disease. Also called: Fabry's disease; ALPHA-GALACTOSIDASE A DEFICIENCY; ANDERSON-FABRY DISEASE; CERAMIDE TRIHEXOSIDASE DEFICIENCY; GLA DEFICIENCY; HEREDITARY DYSTOPIC LIPIDOSIS. Identifiers: Orphanet 324, MedGen C0002986, MONDO:0010526, OMIM 301500, HP:0001071. Disease mechanism: Fabry disease is due to inactivating mutations in the X-linked GLA gene resulting in deficiency of the enzyme Alpha Galactosidase-A., loss of function.

Submission:

Genomenon, Inc
Classification: Pathogenic for Fabry disease. Last evaluated: 2026-09-08. Review status: criteria provided, single submitter. Criteria: Genomenon Sequence Variant Interpretation Standards - Updated. Collection method: curation. Allele origin: germline. Affected: yes.
Comment: GLA p.Tyr207CysfsTer32 (c.618_621del) is a frameshift variant that is predicted to introduce a premature termination codon and result in a truncated or absent protein product. This variant has been observed in at least one proband with clinical features consistent with Fabry disease (PMID:12175777). It is absent or not present at a significant frequency in gnomAD. In conclusion, we classify GLA p.Tyr207CysfsTer32 (c.618_621del) as a pathogenic variant.

Literature cited by the submitters: PubMed 12175777.